The following is an entry in ClinVar:

NM_006180.6(NTRK2):c.393T>A (p.Ser131=)

Gene: NTRK2 (neurotrophic receptor tyrosine kinase 2; plus strand). Cytogenetic location: 9q21.33.
Variant type: single nucleotide variant.
Coding change: c.393T>A on transcript NM_006180.6 (MANE Select); coding-DNA position 393, T replaced by A.
Protein change: p.Ser131=; no amino-acid change (serine 131 retained).
Molecular consequence: synonymous variant. On other transcripts: 5 prime UTR variant (5).
Genome position (GRCh38, 1-based): chr9:84,707,877, T>A. VCF-style: chr9-84707877-T-A. GRCh37 (hg19) VCF-style: chr9-87322792-T-A.
Other names: c.393T>A, p.Ser131= (NM_001007097.3, NM_001018064.3, NM_001018065.2 and 19 more transcripts); c.-76T>A (NM_001369535.1, NM_001369536.1, NM_001369550.1 and 2 more transcripts); c.393T>A (NM_006180.4).
Identifiers: ClinVar variation 2158529 (VCV002158529.5), dbSNP rs773247447, ClinGen allele CA5105488.

ClinVar aggregate classification (germline): Likely benign. Review status: criteria provided, single submitter (1 of 4 stars). 2 submissions from 2 submitters: Likely benign (1). 1 of the submissions does not count toward it. Last evaluated 2025-12-10.

Conditions:
NTRK2-related disorder. Also called: NTRK2-related condition.

Allele frequency attached by ClinVar (database versions not stated): gnomAD exomes below 0.00001; ExAC 0.00001; TOPMed 0.00002.
gnomAD v4.1: 2 of 1,613,218 alleles (0.00012%); highest among the groups gnomAD compares: Admixed American, 0.0033%; no homozygotes.

Submissions (2):

Labcorp Genetics (formerly Invitae), Labcorp
Classification: Likely benign. Last evaluated: 2025-12-10. Review status: criteria provided, single submitter. Criteria: Invitae Variant Classification Sherloc (09022015). Collection method: clinical testing. Allele origin: germline.

PreventionGenetics, part of Exact Sciences
Classification: Likely benign for NTRK2-related condition. Last evaluated: 2024-03-19. Review status: no assertion criteria provided. Collection method: clinical testing. Allele origin: germline. Not counted in ClinVar's aggregate classification.
Comment: This variant is classified as likely benign based on ACMG/AMP sequence variant interpretation guidelines (Richards et al. 2015 PMID: 25741868, with internal and published modifications).